The following is an entry in ClinVar:

NM_001605.3(AARS1):c.877A>T (p.Met293Leu)

Gene: AARS1 (alanyl-tRNA synthetase 1; minus strand). Cytogenetic location: 16q22.1.
Variant type: single nucleotide variant.
Coding change: c.877A>T on transcript NM_001605.3 (MANE Select); coding-DNA position 877, A replaced by T.
Protein change: p.Met293Leu; replaces methionine 293 with leucine.
Molecular consequence: missense variant.
Genome position (GRCh38, 1-based): chr16:70,269,703, T>A on the plus strand (A>T on the coding strand, the complement: AARS1 is on the minus strand). VCF-style: chr16-70269703-T-A. GRCh37 (hg19) VCF-style: chr16-70303606-T-A.
Other names: short protein forms M293L.
Identifiers: ClinVar variation 1799939 (VCV001799939.12), dbSNP rs762420332, ClinGen allele CA8141009.
Genomic context (GRCh38, chr16:70,269,703, plus strand): 5'-CACCATCAGCCAGTGCCACAGTGATGGTCCGAGCGTGGTCAGCCAGCACCCGGTAGGCCA[T>A]GTCAATCCCATCGGCATCCTCAGCACCAACTTTCCCAGTGTATGGTCGGGCACCTGTGCC-3'
Protein context (NP_001596.2, residues 283-303): VGAEDADGID[Met293Leu]AYRVLADHAR

ClinVar aggregate classification (germline): Uncertain significance. Review status: criteria provided, multiple submitters, no conflicts (2 of 4 stars). 5 submissions from 5 submitters: Uncertain significance (5). Last evaluated 2023-12-14.

Conditions:
Charcot-Marie-Tooth disease type 2. Also called: Charcot-Marie-Tooth type 2. Identifiers: Orphanet 64746, MedGen C0270914, MONDO:0018993.
Inborn genetic diseases. Identifiers: MedGen C0950123, MeSH D030342.

Allele frequency attached by ClinVar (database versions not stated): ExAC 0.00003.
gnomAD v4.1: 8 of 1,614,150 alleles (0.0005%); highest among the groups gnomAD compares: Non-Finnish European, 0.00068%; no homozygotes.

Submissions (5):

Blueprint Genetics
Classification: Uncertain significance. Last evaluated: 2023-12-14. Review status: criteria provided, single submitter. Criteria: ACMG Guidelines, 2015. Collection method: clinical testing. Allele origin: germline.

Revvity Omics, Revvity
Classification: Uncertain significance. Last evaluated: 2023-11-22. Review status: criteria provided, single submitter. Criteria: ACMG Guidelines, 2015. Collection method: clinical testing. Allele origin: germline.

Labcorp Genetics (formerly Invitae), Labcorp
Classification: Uncertain significance for Charcot-Marie-Tooth disease type 2. Last evaluated: 2023-09-05. Review status: criteria provided, single submitter. Criteria: Invitae Variant Classification Sherloc (09022015). Collection method: clinical testing. Allele origin: germline.
Comment: This sequence change replaces methionine, which is neutral and non-polar, with leucine, which is neutral and non-polar, at codon 293 of the AARS protein (p.Met293Leu). This variant is present in population databases (rs762420332, gnomAD 0.005%). This variant has not been reported in the literature in individuals affected with AARS-related conditions. ClinVar contains an entry for this variant (Variation ID: 1799939). Advanced modeling of protein sequence and biophysical properties (such as structural, functional, and spatial information, amino acid conservation, physicochemical variation, residue mobility, and thermodynamic stability) performed at Invitae indicates that this missense variant is not expected to disrupt AARS protein function. In summary, the available evidence is currently insufficient to determine the role of this variant in disease. Therefore, it has been classified as a Variant of Uncertain Significance.

Dubai Health Genomic Medicine Center, Dubai Health
Classification: Uncertain significance. Last evaluated: 2022-12-17. Review status: criteria provided, single submitter. Criteria: ACMG Guidelines, 2015. Collection method: clinical testing. Allele origin: germline. Affected: yes.

Ambry Genetics
Classification: Uncertain significance for Inborn genetic diseases. Last evaluated: 2020-06-25. Review status: criteria provided, single submitter. Criteria: Ambry Variant Classification Scheme 2023. Collection method: clinical testing. Allele origin: germline.
Comment: The p.M293L variant (also known as c.877A>T), located in coding exon 6 of the AARS gene, results from an A to T substitution at nucleotide position 877. The methionine at codon 293 is replaced by leucine, an amino acid with highly similar properties. This amino acid position is highly conserved in available vertebrate species. In addition, the in silico prediction for this alteration is inconclusive. Since supporting evidence is limited at this time, the clinical significance of this alteration remains unclear.